The following is an entry in ClinVar:

ClinVar aggregate classification (germline): Benign/Likely benign. Review status: criteria provided, multiple submitters, no conflicts (2 of 4 stars). 4 submissions from 4 submitters: Benign (1); Likely benign (2). 1 of the submissions does not count toward it. Last evaluated 2024-11-12.

Conditions:
MET-related disorder. Also called: MET-related condition.
Hereditary cancer-predisposing syndrome. Also called: Tumor predisposition; Neoplastic Syndromes, Hereditary; Hereditary neoplastic syndrome; Hereditary Cancer Syndrome. Identifiers: Orphanet 140162, MedGen C0027672, MeSH D009386, MONDO:0015356.
Renal cell carcinoma. Identifiers: Orphanet 217071, MedGen C0007134, MeSH D002292, MONDO:0005086, HP:0005584.
Papillary renal cell carcinoma type 1 (RCCP1). Also called: RENAL CELL CARCINOMA, PAPILLARY, 1, SOMATIC; Renal adenocarcinoma; Renal cell carcinoma 1; Renal cell carcinoma, somatic. Identifiers: Orphanet 47044, MedGen C1336839, OMIM 605074, HP:0011797.

Submissions (4):

Myriad Genetics, Inc.
Classification: Benign for Papillary renal cell carcinoma type 1. Last evaluated: 2024-11-12. Review status: criteria provided, single submitter. Criteria: Myriad Autosomal Dominant, Autosomal Recessive and X-Linked Classification Criteria (2023). Collection method: clinical testing. Allele origin: unknown.
Comment: This variant is considered benign. This variant is a silent/synonymous amino acid change and it is not expected to impact splicing.

Labcorp Genetics (formerly Invitae), Labcorp
Classification: Likely benign for Renal cell carcinoma. Last evaluated: 2024-08-31. Review status: criteria provided, single submitter. Criteria: Invitae Variant Classification Sherloc (09022015). Collection method: clinical testing. Allele origin: germline.

Ambry Genetics
Classification: Likely benign for Hereditary cancer-predisposing syndrome. Last evaluated: 2023-04-03. Review status: criteria provided, single submitter. Criteria: Ambry Variant Classification Scheme 2023. Collection method: clinical testing. Allele origin: germline.

PreventionGenetics, part of Exact Sciences
Classification: Likely benign for MET-related condition. Last evaluated: 2024-02-08. Review status: no assertion criteria provided. Collection method: clinical testing. Allele origin: germline. Not counted in ClinVar's aggregate classification.
Comment: This variant is classified as likely benign based on ACMG/AMP sequence variant interpretation guidelines (Richards et al. 2015 PMID: 25741868, with internal and published modifications).

NM_000245.4(MET):c.2790T>C (p.Asn930=)

Gene: MET (MET proto-oncogene, receptor tyrosine kinase; plus strand). Cytogenetic location: 7q31.2.
Variant type: single nucleotide variant.
Coding change: c.2790T>C on transcript NM_000245.4 (MANE Select); coding-DNA position 2790, T replaced by C.
Protein change: p.Asn930=; no amino-acid change (asparagine 930 retained).
Molecular consequence: synonymous variant.
Genome position (GRCh38, 1-based): chr7:116,771,557, T>C. VCF-style: chr7-116771557-T-C. GRCh37 (hg19) VCF-style: chr7-116411611-T-C.
Other names: c.2844T>C (LRG_662t1, NM_001127500.2); c.2844T>C, p.Asn948= (NM_001127500.3); c.1500T>C, p.Asn500= (NM_001324402.2).
Identifiers: ClinVar variation 416943 (VCV000416943.14), dbSNP rs933744184, ClinGen allele CA16612078.
Genomic context (GRCh38, chr7:116,771,557, plus strand): 5'-GTGGAAGCAAGCAATTTCTTCAACCGTCCTTGGAAAAGTAATAGTTCAACCAGATCAGAA[T>C]TTCACAGGATTGATTGCTGGTGTTGTCTCAATATCAACAGCACTGTTATTACTACTTGGG-3'
Protein context (NP_000236.2, residues 920-940): LGKVIVQPDQ[Asn930=]FTGLIAGVVS